The following is an entry in ClinVar:

ClinVar aggregate classification (germline): Conflicting classifications of pathogenicity. Review status: criteria provided, conflicting classifications (1 of 4 stars). 10 submissions from 10 submitters: Uncertain significance (5); Likely benign (3). 2 of the submissions do not count toward it. Last evaluated 2025-07-23.

Conditions:
BRCA2-related cancer predisposition. Identifiers: MedGen CN377758, MONDO:0700269.
Hereditary cancer-predisposing syndrome. Also called: Tumor predisposition; Neoplastic Syndromes, Hereditary; Hereditary neoplastic syndrome; Hereditary Cancer Syndrome. Identifiers: Orphanet 140162, MedGen C0027672, MeSH D009386, MONDO:0015356.
Familial cancer of breast. Also called: Hereditary breast cancer; BREAST CANCER, FAMILIAL; hereditary breast carcinoma. Identifiers: Orphanet 227535, MedGen C0346153, MONDO:0016419, OMIM 114480. Disease mechanism: loss of function.
Breast-ovarian cancer, familial, susceptibility to, 2 (BROVCA2). Also called: BRCA2 Hereditary Breast and Ovarian Cancer. Identifiers: Orphanet 145, MedGen C2675520, MONDO:0012933, OMIM 612555. Disease mechanism: loss of function.
Hereditary breast ovarian cancer syndrome. Also called: Hereditary breast and ovarian cancer; Hereditary breast and ovarian cancer syndrome (HBOC); Hereditary breast and/or ovarian cancer syndrome; Breast and ovarian cancer; Hereditary breast and ovarian cancer syndrome; BRCA1- and BRCA2-Associated Hereditary Breast and Ovarian Cancer. Identifiers: Orphanet 145, MedGen C0677776, MeSH D061325, MONDO:0003582. Disease mechanism: loss of function.

Allele frequency attached by ClinVar (database versions not stated): ExAC 0.00002.
gnomAD v4.1: 8 of 1,614,196 alleles (0.0005%); highest among the groups gnomAD compares: South Asian, 0.0022%; no homozygotes.

Submissions (10):

Labcorp Genetics (formerly Invitae), Labcorp
Classification: Uncertain significance for Hereditary breast ovarian cancer syndrome. Last evaluated: 2025-07-23. Review status: criteria provided, single submitter. Criteria: Invitae Variant Classification Sherloc (09022015). Collection method: clinical testing. Allele origin: germline.
Comment: This sequence change replaces serine, which is neutral and polar, with cysteine, which is neutral and slightly polar, at codon 2533 of the BRCA2 protein (p.Ser2533Cys). This variant is present in population databases (rs80358987, gnomAD 0.003%). This missense change has been observed in individual(s) with endometrial cancer (PMID: 27443514). ClinVar contains an entry for this variant (Variation ID: 38108). Invitae Evidence Modeling incorporating data from in vitro experimental studies (PMID: 33609447) indicates that this missense variant is not expected to disrupt BRCA2 function with a negative predictive value of 95%. Experimental studies have shown that this missense change does not substantially affect BRCA2 function (PMID: 29884841). In summary, the available evidence is currently insufficient to determine the role of this variant in disease. Therefore, it has been classified as a Variant of Uncertain Significance.

All of Us Research Program, National Institutes of Health
Classification: Uncertain significance for BRCA2-related cancer predisposition. Last evaluated: 2024-07-20. Review status: criteria provided, single submitter. Criteria: ACMG Guidelines, 2015. Collection method: clinical testing. Allele origin: germline. Inheritance: Autosomal dominant inheritance. Observed: 4 variant alleles, 4 heterozygotes.
Comment: This missense variant replaces serine with cysteine at codon 2533 of the BRCA2 protein. Computational prediction is inconclusive regarding the impact of this variant on protein structure and function (internally defined REVEL score threshold 0.5 < inconclusive < 0.7, PMID: 27666373). Functional studies have shown this variant does not impact homology-directed DNA repair activity (PMID: 29884841, 33609447, 35736817). This variant has been reported in individuals affected with breast cancer (PMID: 25186627, 27153395, 33471991; Leiden Open Variation Database DB-ID BRCA2_000213) and an individual affected with endometrial cancer (PMID: 27443514). This variant has been identified in 2/250848 chromosomes in the general population by the Genome Aggregation Database (gnomAD). The available evidence is insufficient to determine the role of this variant in disease conclusively. Therefore, this variant is classified as a Variant of Uncertain Significance.

This study involves interpretation of variants in research participants for the purpose of population health screening. Participant phenotype was not available at the time of variant classification. Additional details can be found in publication PMID: 35346344, PMCID: PMC8962531

Women's Health and Genetics/Laboratory Corporation of America, LabCorp
Classification: Likely benign. Last evaluated: 2024-01-05. Review status: criteria provided, single submitter. Criteria: LabCorp Variant Classification Summary - May 2015. Collection method: clinical testing. Allele origin: germline.
Comment: Variant summary: BRCA2 c.7598C>G (p.Ser2533Cys) results in a non-conservative amino acid change located in the helical domain (IPR015252) of the encoded protein sequence. Four of five in-silico tools predict a damaging effect of the variant on protein function. The variant allele was found at a frequency of 8e-06 in 250848 control chromosomes (gnomAD). The available data on variant occurrences in the general population are insufficient to allow any conclusion about variant significance. The variant, c.7598C>G, has been reported in the literature in individuals affected with breast and/or ovarian cancer (e.g., Tung_2014, Maxwell_2016) and also in an individual affected with endometrial cancer (e.g., Ring_2016), however without strong evidence for causality (e.g., lack of co-segregation data). These reports therefore do not provide unequivocal conclusions about association of the variant with Hereditary Breast and Ovarian Cancer. At least one co-occurrence with another pathogenic variant has been observed in internal testing (BRCA1 c.135-1G>T), providing supporting evidence for a benign role. The variant has been demonstrated in several functional studies to have no damaging effect on homology-directed DNA repair (HDR) activity (e.g., Hart_2019, Richardson_2021, Hu_2022). HDR assays qualify as a recognized gold standard on the basis of updated guidance provided by the ClinGen Sequence Variant Interpretation (SVI) working group (PMID: 31892348). ClinGen SVI now recognizes strong functional evidence (ACMG BS3) as sufficient for categorization as likely benign (PMID: 29300386). The following publications have been ascertained in the context of this evaluation (PMID: 31191615, 29884841, 35736817, 19043619, 27153395, 33609447, 27443514, 25186627, 30447919). ClinVar contains an entry for this variant (Variation ID: 38108). Based on the evidence outlined above, the variant was classified as likely benign.

Color Diagnostics, LLC DBA Color Health
Classification: Uncertain significance for Hereditary cancer-predisposing syndrome. Last evaluated: 2023-07-21. Review status: criteria provided, single submitter. Criteria: ACMG Guidelines, 2015. Collection method: clinical testing. Allele origin: germline.
Comment: This missense variant replaces serine with cysteine at codon 2533 of the BRCA2 protein. Computational prediction is inconclusive regarding the impact of this variant on protein structure and function (internally defined REVEL score threshold 0.5 < inconclusive < 0.7, PMID: 27666373). Functional studies have shown this variant does not impact homology-directed DNA repair activity (PMID: 29884841, 33609447, 35736817). This variant has been reported in individuals affected with breast cancer (PMID: 25186627, 27153395, 33471991; Leiden Open Variation Database DB-ID BRCA2_000213) and an individual affected with endometrial cancer (PMID: 27443514). This variant has been identified in 2/250848 chromosomes in the general population by the Genome Aggregation Database (gnomAD). The available evidence is insufficient to determine the role of this variant in disease conclusively. Therefore, this variant is classified as a Variant of Uncertain Significance.

Myriad Genetics, Inc.
Classification: Likely benign for Breast-ovarian cancer, familial, susceptibility to, 2. Last evaluated: 2023-06-02. Review status: criteria provided, single submitter. Criteria: Myriad Autosomal Dominant, Autosomal Recessive and X-Linked Classification Criteria (2023). Collection method: clinical testing. Allele origin: unknown.
Comment: This variant is considered likely benign. This variant is strongly associated with less severe personal and family histories of cancer, typical for individuals without pathogenic variants in this gene [PMID: 25085752].

Department of Pathology and Laboratory Medicine, Sinai Health System
Classification: Uncertain significance for Familial cancer of breast; Breast-ovarian cancer, familial, susceptibility to, 2. Last evaluated: 2021-12-14. Review status: criteria provided, single submitter. Criteria: ACMG Guidelines, 2015. Collection method: clinical testing. Allele origin: germline. Affected: yes.

Ambry Genetics
Classification: Likely benign for Hereditary cancer-predisposing syndrome. Last evaluated: 2019-12-06. Review status: criteria provided, single submitter. Criteria: Ambry Variant Classification Scheme 2023. Collection method: clinical testing. Allele origin: germline.

GeneDx
Classification: Uncertain significance. Last evaluated: 2017-08-10. Review status: criteria provided, single submitter. Criteria: GeneDx Variant Classification (06012015). Collection method: clinical testing. Allele origin: germline. Affected: yes.
Comment: This variant is denoted BRCA2 c.7598C>G at the cDNA level, p.Ser2533Cys (S2533C) at the protein level, and results in the change of a Serine to a Cysteine (TCT>TGT). This variant, also known as BRCA2 7826C>G using alternate nomenclature, has been reported in at least one individual with breast and/or ovarian cancer and one with endometrial cancer (Maxwell 2016, Ring 2016). BRCA2 Ser2533Cys was not observed at a significant frequency in large population cohorts (Lek 2016, The 1000 Genomes Consortium 2015, NHLBI Exome Sequencing Project). Since Serine and Cysteine differ in polarity, charge, size or other properties, this is considered a non-conservative amino acid substitution. BRCA2 Ser2533Cys occurs at a position that is not conserved and is located in the DNA binding domain and region of interaction with FANCD2 (Yang 2002, UniProt). In silico analyses are inconsistent regarding the effect this variant may have on protein structure and function. Based on currently available information, it is unclear whether BRCA2 Ser2533Cys is pathogenic or benign. We consider it to be a variant of uncertain significance.

Sharing Clinical Reports Project (SCRP)
Classification: Uncertain significance for Breast-ovarian cancer, familial 2. Last evaluated: 2007-07-19. Review status: no assertion criteria provided. Collection method: clinical testing. Allele origin: germline. Not counted in ClinVar's aggregate classification.

Breast Cancer Information Core (BIC) (BRCA2)
Classification: Uncertain significance for Breast-ovarian cancer, familial 2. Last evaluated: 1997-11-13. Review status: no assertion criteria provided. Collection method: clinical testing. Allele origin: germline. Affected: yes. Observed: 1 variant allele. Not counted in ClinVar's aggregate classification.

Literature cited by the submitters: PubMed 27443514 (cited by 6 submitters); PubMed 33609447 (cited by 4 submitters); PubMed 29884841 (cited by 6 submitters); PubMed 25186627 (cited by 4 submitters); PubMed 27153395 (cited by 4 submitters); PubMed 33471991 (cited by All of Us Research Program, National Institutes of Health and Color Diagnostics, LLC DBA Color Health); PubMed 35736817 (cited by 3 submitters); PubMed 19043619 (cited by Women's Health and Genetics/Laboratory Corporation of America, LabCorp and Ambry Genetics); PubMed 30447919 (cited by Women's Health and Genetics/Laboratory Corporation of America, LabCorp); PubMed 31191615 (cited by Women's Health and Genetics/Laboratory Corporation of America, LabCorp); PubMed 25085752 (cited by Myriad Genetics, Inc.).

NM_000059.4(BRCA2):c.7598C>G (p.Ser2533Cys)

Gene: BRCA2 (BRCA2 DNA repair associated; plus strand). Cytogenetic location: 13q13.1.
Variant type: single nucleotide variant.
Coding change: c.7598C>G on transcript NM_000059.4 (MANE Select); coding-DNA position 7598, C replaced by G.
Protein change: p.Ser2533Cys; replaces serine 2533 with cysteine.
Molecular consequence: missense variant.
Genome position (GRCh38, 1-based): chr13:32,356,590, C>G. VCF-style: chr13-32356590-C-G. GRCh37 (hg19) VCF-style: chr13-32930727-C-G.
Other names: short protein forms S2533C.
Identifiers: ClinVar variation 38108 (VCV000038108.30), dbSNP rs80358987, ClinGen allele CA025173.